The following is an entry in ClinVar:

NM_014363.6(SACS):c.4132C>T (p.Pro1378Ser)

Gene: SACS (sacsin molecular chaperone; minus strand). Cytogenetic location: 13q12.12.
Variant type: single nucleotide variant.
Coding change: c.4132C>T on transcript NM_014363.6 (MANE Select); coding-DNA position 4132, C replaced by T.
Protein change: p.Pro1378Ser; replaces proline 1378 with serine.
Molecular consequence: missense variant.
Genome position (GRCh38, 1-based): chr13:23,339,744, G>A on the plus strand (C>T on the coding strand, the complement: SACS is on the minus strand). VCF-style: chr13-23339744-G-A. GRCh37 (hg19) VCF-style: chr13-23913883-G-A.
Other names: c.3691C>T, p.Pro1231Ser (NM_001278055.2); short protein forms P1378S, P1231S.
Identifiers: ClinVar variation 3571920 (VCV003571920.1).

ClinVar aggregate classification (germline): Uncertain significance (1 of 4 stars; one submission).

Submission:

Athena Diagnostics
Classification: Uncertain significance. Last evaluated: 2024-01-10. Review status: criteria provided, single submitter. Criteria: Athena Diagnostics Criteria. Collection method: clinical testing. Allele origin: unknown.
Comment: Available data are insufficient to determine the clinical significance of the variant at this time. The frequency of this variant in the general population is uninformative in assessment of its pathogenicity. Computational tools predict that this variant is not damaging.